The following is an entry in ClinVar:

ClinVar aggregate classification (germline): Uncertain significance (1 of 4 stars; one submission).

Submission:

Labcorp Genetics (formerly Invitae), Labcorp
Classification: Uncertain significance. Last evaluated: 2023-12-11. Review status: criteria provided, single submitter. Criteria: Invitae Variant Classification Sherloc (09022015). Collection method: clinical testing. Allele origin: germline.
Comment: This sequence change replaces glutamine, which is neutral and polar, with lysine, which is basic and polar, at codon 163 of the MPLKIP protein (p.Gln163Lys). This variant is not present in population databases (gnomAD no frequency). This variant has not been reported in the literature in individuals affected with MPLKIP-related conditions. ClinVar contains an entry for this variant (Variation ID: 1062026). Algorithms developed to predict the effect of missense changes on protein structure and function output the following: SIFT: "Not Available"; PolyPhen-2: "Possibly Damaging"; Align-GVGD: "Not Available". The lysine amino acid residue is found in multiple mammalian species, which suggests that this missense change does not adversely affect protein function. In summary, the available evidence is currently insufficient to determine the role of this variant in disease. Therefore, it has been classified as a Variant of Uncertain Significance.

NM_138701.4(MPLKIP):c.487C>A (p.Gln163Lys)

Gene: MPLKIP (M-phase specific PLK1 interacting protein; minus strand). Cytogenetic location: 7p14.1.
Variant type: single nucleotide variant.
Coding change: c.487C>A on transcript NM_138701.4 (MANE Select); coding-DNA position 487, C replaced by A.
Protein change: p.Gln163Lys; replaces glutamine 163 with lysine.
Molecular consequence: missense variant.
Genome position (GRCh38, 1-based): chr7:40,133,112, G>T on the plus strand (C>A on the coding strand, the complement: MPLKIP is on the minus strand). VCF-style: chr7-40133112-G-T. GRCh37 (hg19) VCF-style: chr7-40172711-G-T.
Other names: short protein forms Q163K.
Identifiers: ClinVar variation 1062026 (VCV001062026.9), dbSNP rs2150559979, ClinGen allele CA367307573.